The following is an entry in ClinVar:

ClinVar aggregate classification (germline): Benign. Review status: criteria provided, multiple submitters, no conflicts (2 of 4 stars). 5 submissions from 5 submitters: Benign (4). 1 of the submissions does not count toward it. Last evaluated 2026-02-04.

Conditions:
Cone-rod dystrophy 6 (CORD6). Also called: RETINAL CONE DYSTROPHY 2; Cone dystrophy progressive. Identifiers: Orphanet 1872, MedGen C1866293, MONDO:0011143, OMIM 601777.
Leber congenital amaurosis 1 (LCA1). Also called: AMAUROSIS CONGENITA OF LEBER I; RETINAL BLINDNESS, CONGENITAL; Congenital absence of the rods and cones; Leber's congenital tapetoretinal degeneration; Leber's congenital tapetoretinal dysplasia. Identifiers: Orphanet 65, MedGen C2931258, MONDO:0008764, OMIM 204000.

Allele frequency attached by ClinVar (database versions not stated): gnomAD exomes 0.07565; 1000 Genomes Project 30x 0.07979; ExAC 0.08009; 1000 Genomes Project 0.08067; gnomAD 0.10985 and 0.11446; TOPMed 0.11136; ESP Exome Variant Server 0.12825.
gnomAD v4.1: 154,144 of 1,611,898 alleles (9.6%); highest among the groups gnomAD compares: African/African-American, 19%; 8,406 homozygotes.

Submissions (5):

Labcorp Genetics (formerly Invitae), Labcorp
Classification: Benign for Leber congenital amaurosis 1; Cone-rod dystrophy 6. Last evaluated: 2026-02-04. Review status: criteria provided, single submitter. Criteria: Invitae Variant Classification Sherloc (09022015). Collection method: clinical testing. Allele origin: germline.

GeneDx
Classification: Benign. Last evaluated: 2018-04-26. Review status: criteria provided, single submitter. Criteria: GeneDx Variant Classification (06012015). Collection method: clinical testing. Allele origin: germline. Affected: yes.
Comment: This variant is considered likely benign or benign based on one or more of the following criteria: it is a conservative change, it occurs at a poorly conserved position in the protein, it is predicted to be benign by multiple in silico algorithms, and/or has population frequency not consistent with disease.

Breakthrough Genomics
Classification: Benign. Review status: criteria provided, single submitter. Criteria: ACMG Guidelines, 2015. Collection method: not provided. Allele origin: germline. Inheritance: Autosomal recessive inheritance. Affected: yes.

PreventionGenetics, part of Exact Sciences
Classification: Benign. Review status: criteria provided, single submitter. Criteria: ACMG Guidelines, 2015. Collection method: clinical testing. Allele origin: germline.

Retina International
No classification provided. Review status: no classification provided. Collection method: not provided. Allele origin: not provided. Not counted in ClinVar's aggregate classification.

NM_000180.4(GUCY2D):c.2109G>A (p.Ala703=)

Gene: GUCY2D (guanylate cyclase 2D, retinal; plus strand). Cytogenetic location: 17p13.1.
Variant type: single nucleotide variant.
Coding change: c.2109G>A on transcript NM_000180.4 (MANE Select); coding-DNA position 2109, G replaced by A.
Protein change: p.Ala703=; no amino-acid change (alanine 703 retained).
Molecular consequence: synonymous variant.
Genome position (GRCh38, 1-based): chr17:8,012,602, G>A. VCF-style: chr17-8012602-G-A. GRCh37 (hg19) VCF-style: chr17-7915920-G-A.
Identifiers: ClinVar variation 98559 (VCV000098559.12), dbSNP rs56130505, ClinGen allele CA226068.